The following is an entry in ClinVar:

ClinVar aggregate classification (germline): Uncertain significance. Review status: criteria provided, multiple submitters, no conflicts (2 of 4 stars). 3 submissions from 3 submitters: Uncertain significance (3). Last evaluated 2025-11-09.

Conditions:
Hereditary cancer-predisposing syndrome. Also called: Tumor predisposition; Neoplastic Syndromes, Hereditary; Hereditary Cancer Syndrome; Hereditary neoplastic syndrome. Identifiers: Orphanet 140162, MedGen C0027672, MeSH D009386, MONDO:0015356.
Fanconi anemia complementation group J. Also called: BRIP1-Related Fanconi Anemia. Identifiers: Orphanet 84, MedGen C1836860, MONDO:0012187, OMIM 609054.
Familial cancer of breast. Also called: BREAST CANCER, FAMILIAL; hereditary breast carcinoma; Hereditary breast cancer. Identifiers: Orphanet 227535, MedGen C0346153, MONDO:0016419, OMIM 114480. Disease mechanism: loss of function.

Submissions (3):

Labcorp Genetics (formerly Invitae), Labcorp
Classification: Uncertain significance for Familial cancer of breast; Fanconi anemia complementation group J. Last evaluated: 2025-11-09. Review status: criteria provided, single submitter. Criteria: Invitae Variant Classification Sherloc (09022015). Collection method: clinical testing. Allele origin: germline.
Comment: This sequence change replaces aspartic acid, which is acidic and polar, with valine, which is neutral and non-polar, at codon 744 of the BRIP1 protein (p.Asp744Val). This variant is not present in population databases (gnomAD no frequency). This variant has not been reported in the literature in individuals affected with BRIP1-related conditions. ClinVar contains an entry for this variant (Variation ID: 491436). Invitae Evidence Modeling of protein sequence and biophysical properties (such as structural, functional, and spatial information, amino acid conservation, physicochemical variation, residue mobility, and thermodynamic stability) has been performed for this missense variant. However, the output from this modeling did not meet the statistical confidence thresholds required to predict the impact of this variant on BRIP1 protein function. In summary, the available evidence is currently insufficient to determine the role of this variant in disease. Therefore, it has been classified as a Variant of Uncertain Significance.

Color Diagnostics, LLC DBA Color Health
Classification: Uncertain significance for Hereditary cancer-predisposing syndrome. Last evaluated: 2023-12-05. Review status: criteria provided, single submitter. Criteria: ACMG Guidelines, 2015. Collection method: clinical testing. Allele origin: germline.
Comment: This missense variant replaces aspartic acid with valine at codon 744 of the BRIP1 protein. Computational prediction suggests that this variant may have deleterious impact on protein structure and function (internally defined REVEL score threshold >= 0.7, PMID: 27666373). To our knowledge, functional studies have not been reported for this variant. This variant has not been reported in individuals affected with BRIP1-related disorders in the literature. This variant has not been identified in the general population by the Genome Aggregation Database (gnomAD). The available evidence is insufficient to determine the role of this variant in disease conclusively. Therefore, this variant is classified as a Variant of Uncertain Significance.

Ambry Genetics
Classification: Uncertain significance for Hereditary cancer-predisposing syndrome. Last evaluated: 2019-07-12. Review status: criteria provided, single submitter. Criteria: Ambry Variant Classification Scheme 2023. Collection method: clinical testing. Allele origin: germline.
Comment: The p.D744V variant (also known as c.2231A>T), located in coding exon 14 of the BRIP1 gene, results from an A to T substitution at nucleotide position 2231. The aspartic acid at codon 744 is replaced by valine, an amino acid with highly dissimilar properties. This amino acid position is highly conserved in available vertebrate species. In addition, this alteration is predicted to be deleterious by in silico analysis. Since supporting evidence is limited at this time, the clinical significance of this alteration remains unclear.

NM_032043.3(BRIP1):c.2231A>T (p.Asp744Val)

Gene: BRIP1 (BRCA1 interacting DNA helicase 1; minus strand). Cytogenetic location: 17q23.2.
Variant type: single nucleotide variant.
Coding change: c.2231A>T on transcript NM_032043.3 (MANE Select); coding-DNA position 2231, A replaced by T.
Protein change: p.Asp744Val; replaces aspartic acid 744 with valine.
Molecular consequence: missense variant.
Genome position (GRCh38, 1-based): chr17:61,744,458, T>A on the plus strand (A>T on the coding strand, the complement: BRIP1 is on the minus strand). VCF-style: chr17-61744458-T-A. GRCh37 (hg19) VCF-style: chr17-59821819-T-A.
Other names: short protein forms D744V.
Identifiers: ClinVar variation 491436 (VCV000491436.11), dbSNP rs1555591345, ClinGen allele CA400482899.